The following is an entry in ClinVar:

ClinVar aggregate classification (germline): Uncertain significance (1 of 4 stars; one submission).

Conditions:
Long QT syndrome (LQTS). Identifiers: MedGen C0023976, MeSH D008133, MONDO:0002442. Disease mechanism: loss of function. Inheritance: Various modes of inheritance.

Submissions (2):

Labcorp Genetics (formerly Invitae), Labcorp
Classification: Uncertain significance for Long QT syndrome. Last evaluated: 2025-04-30. Review status: criteria provided, single submitter. Criteria: Invitae Variant Classification Sherloc (09022015). Collection method: clinical testing. Allele origin: germline.
Comment: This sequence change replaces proline, which is neutral and non-polar, with leucine, which is neutral and non-polar, at codon 123 of the KCNE1 protein (p.Pro123Leu). This variant is not present in population databases (gnomAD no frequency). This variant has not been reported in the literature in individuals affected with KCNE1-related conditions. ClinVar contains an entry for this variant (Variation ID: 1351037). Invitae Evidence Modeling of protein sequence and biophysical properties (such as structural, functional, and spatial information, amino acid conservation, physicochemical variation, residue mobility, and thermodynamic stability) indicates that this missense variant is expected to disrupt KCNE1 protein function with a positive predictive value of 95%. In summary, the available evidence is currently insufficient to determine the role of this variant in disease. Therefore, it has been classified as a Variant of Uncertain Significance.

Roden Lab, Vanderbilt University Medical Center
No classification provided (evidence only). Condition: Long QT syndrome 5. Review status: no classification provided. Collection method: in vitro. Allele origin: not applicable. Functional consequence: Effect on ion channel function. Not counted in ClinVar's aggregate classification.
ClinVar note: "not provided" was previously submitted as the classification for the variant. However, the classification appeared to be based only on an observation of functional data so it was converted to no classification on 2025-07-30.

NM_000219.6(KCNE1):c.368C>T (p.Pro123Leu)

Gene: KCNE1 (potassium voltage-gated channel subfamily E regulatory subunit 1; minus strand). Cytogenetic location: 21q22.12.
Variant type: single nucleotide variant.
Coding change: c.368C>T on transcript NM_000219.6 (MANE Select); coding-DNA position 368, C replaced by T.
Protein change: p.Pro123Leu; replaces proline 123 with leucine.
Molecular consequence: missense variant.
Genome position (GRCh38, 1-based): chr21:34,449,267, G>A on the plus strand (C>T on the coding strand, the complement: KCNE1 is on the minus strand). VCF-style: chr21-34449267-G-A. GRCh37 (hg19) VCF-style: chr21-35821565-G-A.
Other names: c.368C>T, p.Pro123Leu (NM_001127668.4, NM_001127669.4, NM_001127670.4 and 4 more transcripts); short protein forms P123L.
Identifiers: ClinVar variation 1351037 (VCV001351037.8), dbSNP rs1980939963, ClinGen allele CA410197921.